The following is an entry in ClinVar:

NM_001909.5(CTSD):c.*14C>T

Gene: CTSD (cathepsin D; minus strand). Cytogenetic location: 11p15.5.
Variant type: single nucleotide variant.
Coding change: c.*14C>T on transcript NM_001909.5 (MANE Select); 14 bases downstream of the stop codon, C replaced by T.
Molecular consequence: 3 prime UTR variant.
Genome position (GRCh38, 1-based): chr11:1,753,489, G>A on the plus strand (C>T on the coding strand, the complement: CTSD is on the minus strand). VCF-style: chr11-1753489-G-A. GRCh37 (hg19) VCF-style: chr11-1774719-G-A.
Identifiers: ClinVar variation 377763 (VCV000377763.1), dbSNP rs556410676, ClinGen allele CA5813860.

ClinVar aggregate classification (germline): Likely benign (1 of 4 stars; one submission).

Allele frequency attached by ClinVar (database versions not stated): gnomAD exomes 0.00001 and 0.00004; ExAC 0.00004; TOPMed 0.00009; gnomAD 0.00013; 1000 Genomes Project 30x 0.00047; 1000 Genomes Project 0.00060.
gnomAD v4.1: 45 of 1,612,882 alleles (0.0028%); highest among the groups gnomAD compares: African/African-American, 0.036%; no homozygotes.

Submission:

GeneDx
Classification: Likely benign. Last evaluated: 2016-07-22. Review status: criteria provided, single submitter. Criteria: GeneDx Variant Classification (06012015). Collection method: clinical testing. Allele origin: germline. Affected: yes.
Comment: This variant is considered likely benign or benign based on one or more of the following criteria: it is a conservative change, it occurs at a poorly conserved position in the protein, it is predicted to be benign by multiple in silico algorithms, and/or has population frequency not consistent with disease.